The following is an entry in ClinVar:

NM_144573.4(NEXN):c.555_559del (p.Met185fs)

Gene: NEXN (nexilin F-actin binding protein; plus strand). Cytogenetic location: 1p31.1.
Variant type: Deletion.
Coding change: c.555_559del on transcript NM_144573.4 (MANE Select); coding-DNA positions 555 to 559, 5 bases deleted (GAAAA; older notation c.555_559delGAAAA).
Protein change: p.Met185fs; shifts the reading frame from methionine 185.
Molecular consequence: frameshift variant.
Genome position (GRCh38, 1-based): chr1:77,926,479-77,926,483, GAAAA deleted. VCF-style (leftmost placement, unchanged base first): chr1-77926478-TGAAAA-T. GRCh37 (hg19) VCF-style: chr1-78392163-TGAAAA-T.
Other names: c.555_559delGAAAA (NM_144573.4); c.363_367del, p.Met121fs (NM_001172309.2); short protein forms M121fs, M185fs.
Identifiers: ClinVar variation 5037760 (VCV005037760.1).
Genomic context (GRCh38, chr1:77,926,478, plus strand): 5'-GAGATGATTCACTACTTATAACTGTGGTACCTGTCAAATCATATAAAACATCTGGAAAAA[TGAAAA>T]AGAATTTTGAGGATCTAGAAAAAGAACGTGAAGAGAAAGAAAGGATCAAGTACGAGGAAG-3'

ClinVar aggregate classification (germline): Likely pathogenic (1 of 4 stars; one submission).

Conditions:
Cardiomyopathy, dilated, 2M. Identifiers: MedGen C6012748, MONDO:0979243, OMIM 621261.

Submission:

Center for Molecular Medicine, Children’s Hospital of Fudan University
Classification: Likely pathogenic for Cardiomyopathy, dilated, 2M. Last evaluated: 2025-12-12. Review status: criteria provided, single submitter. Criteria: ACMG Guidelines 2015. Collection method: clinical testing. Allele origin: maternal. Affected: yes.
Comment: PVS1+PM2_PP